The following is an entry in ClinVar:

ClinVar aggregate classification (germline): Uncertain significance (1 of 4 stars; one submission).

Allele frequency attached by ClinVar (database versions not stated): gnomAD exomes below 0.00001.
gnomAD v4.1: 1 of 1,548,552 alleles (0.000065%); highest among the groups gnomAD compares: African/African-American, 0.0014%; no homozygotes.

Submission:

CeGaT Center for Human Genetics Tuebingen
Classification: Uncertain significance. Last evaluated: 2024-03-01. Review status: criteria provided, single submitter. Criteria: CeGaT Center For Human Genetics Tuebingen Variant Classification Criteria Version 2. Collection method: clinical testing. Allele origin: germline. Affected: yes. Observed: 1 variant allele.
Comment: CHST3: PM2:Supporting, BP4

NM_004273.5(CHST3):c.1116G>A (p.Glu372=)

Gene: CHST3 (carbohydrate sulfotransferase 3; plus strand). Cytogenetic location: 10q22.1.
Variant type: single nucleotide variant.
Coding change: c.1116G>A on transcript NM_004273.5 (MANE Select); coding-DNA position 1116, G replaced by A.
Protein change: p.Glu372=; no amino-acid change (glutamic acid 372 retained).
Molecular consequence: synonymous variant.
Genome position (GRCh38, 1-based): chr10:72,008,147, G>A. VCF-style: chr10-72008147-G-A. GRCh37 (hg19) VCF-style: chr10-73767905-G-A.
Identifiers: ClinVar variation 3067475 (VCV003067475.21), dbSNP rs1840066141, ClinGen allele CA470284574.
Genomic context (GRCh38, chr10:72,008,147, plus strand): 5'-GGAGCTGGGGCTGCGGCAGCCCGCCTGGCTGCGGGGCCGCTACATGCTGGTGCGCTACGA[G>A]GACGTGGCACGCGGGCCGCTGCAGAAGGCCCGCGAGATGTACCGCTTCGCCGGCATCCCC-3'
Protein context (NP_004264.2, residues 362-382): LRGRYMLVRY[Glu372=]DVARGPLQKA